The following is an entry in ClinVar:

ClinVar aggregate classification (germline): Uncertain significance (1 of 4 stars; one submission).

Conditions:
Charcot-Marie-Tooth disease type 2. Also called: Charcot-Marie-Tooth type 2. Identifiers: Orphanet 64746, MedGen C0270914, MONDO:0018993.

Allele frequency attached by ClinVar (database versions not stated): gnomAD exomes below 0.00001.
gnomAD v4.1: 1 of 1,613,516 alleles (0.000062%); no homozygotes.

Submission:

Labcorp Genetics (formerly Invitae), Labcorp
Classification: Uncertain significance for Charcot-Marie-Tooth disease type 2. Last evaluated: 2023-11-02. Review status: criteria provided, single submitter. Criteria: Invitae Variant Classification Sherloc (09022015). Collection method: clinical testing. Allele origin: germline.
Comment: This sequence change replaces histidine, which is basic and polar, with arginine, which is basic and polar, at codon 881 of the AARS protein (p.His881Arg). This variant is not present in population databases (gnomAD no frequency). This variant has not been reported in the literature in individuals affected with AARS-related conditions. Advanced modeling of protein sequence and biophysical properties (such as structural, functional, and spatial information, amino acid conservation, physicochemical variation, residue mobility, and thermodynamic stability) performed at Invitae indicates that this missense variant is not expected to disrupt AARS protein function with a negative predictive value of 95%. In summary, the available evidence is currently insufficient to determine the role of this variant in disease. Therefore, it has been classified as a Variant of Uncertain Significance.

NM_001605.3(AARS1):c.2642A>G (p.His881Arg)

Gene: AARS1 (alanyl-tRNA synthetase 1; minus strand). Cytogenetic location: 16q22.1.
Variant type: single nucleotide variant.
Coding change: c.2642A>G on transcript NM_001605.3 (MANE Select); coding-DNA position 2642, A replaced by G.
Protein change: p.His881Arg; replaces histidine 881 with arginine.
Molecular consequence: missense variant.
Genome position (GRCh38, 1-based): chr16:70,253,347, T>C on the plus strand (A>G on the coding strand, the complement: AARS1 is on the minus strand). VCF-style: chr16-70253347-T-C. GRCh37 (hg19) VCF-style: chr16-70287250-T-C.
Other names: short protein forms H881R.
Identifiers: ClinVar variation 2692848 (VCV002692848.3), dbSNP rs1597432409, ClinGen allele CA396554760.